The following is an entry in ClinVar:

ClinVar aggregate classification (germline): Uncertain significance (1 of 4 stars; one submission).

Conditions:
Developmental and epileptic encephalopathy, 53. Also called: Epileptic encephalopathy, early infantile, 53. Identifiers: MedGen C4479313, MONDO:0033362, OMIM 617389.
Early-onset Parkinson disease 20. Also called: PARKINSON DISEASE 20, AUTOSOMAL RECESSIVE EARLY-ONSET. Identifiers: Orphanet 391411, MedGen C3809824, MONDO:0014233, OMIM 615530.

Submission:

Labcorp Genetics (formerly Invitae), Labcorp
Classification: Uncertain significance for Developmental and epileptic encephalopathy, 53; Early-onset Parkinson disease 20. Last evaluated: 2018-10-03. Review status: criteria provided, single submitter. Criteria: Invitae Variant Classification Sherloc (09022015). Collection method: clinical testing. Allele origin: germline.
Comment: This sequence change replaces phenylalanine with leucine at codon 295 of the SYNJ1 protein (p.Phe295Leu). The phenylalanine residue is highly conserved and there is a small physicochemical difference between phenylalanine and leucine. This variant is not present in population databases (ExAC no frequency). This variant has not been reported in the literature in individuals with SYNJ1-related disease. Algorithms developed to predict the effect of missense changes on protein structure and function are either unavailable or do not agree on the potential impact of this missense change (SIFT: "Deleterious"; PolyPhen-2: "Probably Damaging"; Align-GVGD: "Class C15"). In summary, the available evidence is currently insufficient to determine the role of this variant in disease. Therefore, it has been classified as a Variant of Uncertain Significance.

NM_203446.3(SYNJ1):c.768C>G (p.Phe256Leu)

Gene: SYNJ1 (synaptojanin 1; minus strand). Cytogenetic location: 21q22.11.
Variant type: single nucleotide variant.
Coding change: c.768C>G on transcript NM_203446.3 (MANE Select); coding-DNA position 768, C replaced by G.
Protein change: p.Phe256Leu; replaces phenylalanine 256 with leucine.
Molecular consequence: missense variant.
Genome position (GRCh38, 1-based): chr21:32,694,249, G>C on the plus strand (C>G on the coding strand, the complement: SYNJ1 is on the minus strand). VCF-style: chr21-32694249-G-C. GRCh37 (hg19) VCF-style: chr21-34066559-G-C.
Other names: c.768C>G, p.Phe256Leu (NM_001160302.2, NM_001160306.2); c.885C>G, p.Phe295Leu (NM_003895.4); short protein forms F256L, F295L.
Identifiers: ClinVar variation 664226 (VCV000664226.9), dbSNP rs1456955061, ClinGen allele CA410097494.